The following is an entry in ClinVar:

ClinVar aggregate classification (germline): not provided (0 of 4 stars; one submission).

Conditions:
Preeclampsia. Identifiers: Orphanet 275555, MedGen C0032914, MONDO:0005081, HP:0100602.

Submission:

Institute of Molecular and Cell Biology, University of Tartu
No classification provided. Condition: Preeclampsia. Review status: no classification provided. Collection method: case-control. Allele origin: unknown. Affected: yes. Study: Kasak2014.
Comment: The study aimed to determine the contribution of copy number variants in the genetic etiology of normal and complicated pregnancies. The samples represented (i) maternal blood DNA drawn from healthy pregnant women during 1st or 2nd trimester and (ii) maternal and paternal blood DNA drawn at term pregnancy cases representing normal and complicated gestations (severe preeclampsia, PE; gestational diabetes, GD; small-for-gestational age newborn, SGA; large-for-gestational age newborn, LGA). We performed CNV calling based on genome-wide genotyping dataset (Illumina HumanOmniExpress-24-v1 BeadChip) by applying three algorithms, QuantiSNP, GADA (Genome Alteration Detection Algorithm) and CNstream in parallel. The acquired CNV calls were merged with HD-CNV (Hotspot Detector for Copy Number Variants) program and only the CNVs predicted by at least two programs, were considered in subsequent analysis.

Literature cited by the submitters: PubMed 25666259.

Single allele

Variant type: Deletion.
Identifiers: ClinVar variation 157136 (VCV000157136.2).